The following is an entry in ClinVar:

ClinVar aggregate classification (germline): Uncertain significance. Review status: criteria provided, multiple submitters, no conflicts (2 of 4 stars). 2 submissions from 2 submitters: Uncertain significance (2). Last evaluated 2024-06-29.

Conditions:
Charcot-Marie-Tooth disease. Also called: Charcot-Marie-Tooth Hereditary Neuropathy; Charcot-Marie-Tooth Neuropathy. Identifiers: Orphanet 166, MedGen C0007959, MONDO:0015626.

Allele frequency attached by ClinVar (database versions not stated): TOPMed below 0.00001; gnomAD 0.00001.
gnomAD v4.1: 7 of 1,613,906 alleles (0.00043%); highest among the groups gnomAD compares: Non-Finnish European, 0.00051%; no homozygotes.

Submissions (2):

Ambry Genetics
Classification: Uncertain significance. Last evaluated: 2024-06-29. Review status: criteria provided, single submitter. Criteria: Ambry Variant Classification Scheme 2023. Collection method: clinical testing. Allele origin: germline.
Comment: The p.L1732V variant (also known as c.5194C>G), located in coding exon 45 of the KIF1B gene, results from a C to G substitution at nucleotide position 5194. The leucine at codon 1732 is replaced by valine, an amino acid with highly similar properties. This amino acid position is highly conserved in available vertebrate species. In addition, the in silico prediction for this alteration is inconclusive. Since supporting evidence is limited at this time, the clinical significance of this alteration remains unclear.

Molecular Genetics Laboratory, London Health Sciences Centre
Classification: Uncertain significance for Charcot-Marie-Tooth disease. Review status: criteria provided, single submitter. Criteria: ACMG Guidelines, 2015. Collection method: clinical testing. Allele origin: germline. Affected: yes.

NM_001365951.3(KIF1B):c.5332C>G (p.Leu1778Val)

Gene: KIF1B (kinesin family member 1B; plus strand). Cytogenetic location: 1p36.22.
Variant type: single nucleotide variant.
Coding change: c.5332C>G on transcript NM_001365951.3 (MANE Select); coding-DNA position 5332, C replaced by G.
Protein change: p.Leu1778Val; replaces leucine 1778 with valine.
Molecular consequence: missense variant.
Genome position (GRCh38, 1-based): chr1:10,375,297, C>G. VCF-style: chr1-10375297-C-G. GRCh37 (hg19) VCF-style: chr1-10435355-C-G.
Other names: c.5332C>G, p.Leu1778Val (NM_001365952.1); c.5194C>G, p.Leu1732Val (NM_015074.3); short protein forms L1732V, L1778V.
Identifiers: ClinVar variation 917334 (VCV000917334.4), dbSNP rs866755197, ClinGen allele CA338331822.